The following is an entry in ClinVar:

NM_001005480.2(OR2A2):c.333C>T (p.Cys111=)

Gene: OR2A2 (olfactory receptor family 2 subfamily A member 2; plus strand). Cytogenetic location: 7q35.
Variant type: single nucleotide variant.
Coding change: c.333C>T on transcript NM_001005480.2 (MANE Select); coding-DNA position 333, C replaced by T.
Protein change: p.Cys111=; no amino-acid change (cysteine 111 retained).
Molecular consequence: synonymous variant.
Genome position (GRCh38, 1-based): chr7:144,109,915, C>T. VCF-style: chr7-144109915-C-T. GRCh37 (hg19) VCF-style: chr7-143807008-C-T.
Identifiers: ClinVar variation 2658121 (VCV002658121.24), dbSNP rs61734829, ClinGen allele CA4542439.
Genomic context (GRCh38, chr7:144,109,915, plus strand): 5'-CTCCTTTGTTCCATGCATAATGCAGACTTTTTTGTATTTGGCTTTTGCTGTTACAGAGTG[C>T]CTGATTTTGGTGGTGATGTCCTATGATAGGTATGTGGCCATCTGCCACCCTTTCCAGTAC-3'
Protein context (NP_001005480.2, residues 101-121): FLYLAFAVTE[Cys111=]LILVVMSYDR

ClinVar aggregate classification (germline): Likely benign (1 of 4 stars; one submission).

Allele frequency attached by ClinVar (database versions not stated): 1000 Genomes Project 30x 0.00016; 1000 Genomes Project 0.00020; ExAC 0.00050; gnomAD 0.00056; ESP Exome Variant Server 0.00079.

Submission:

CeGaT Center for Human Genetics Tuebingen
Classification: Likely benign. Last evaluated: 2022-10-01. Review status: criteria provided, single submitter. Criteria: CeGaT Center For Human Genetics Tuebingen Variant Classification Criteria Version 2. Collection method: clinical testing. Allele origin: germline. Affected: yes. Observed: 1 variant allele.
Comment: OR2A2: BP4, BP7